The following is an entry in ClinVar:

ClinVar aggregate classification (germline): Uncertain significance (1 of 4 stars; one submission).

gnomAD v4.1: 1 of 1,614,128 alleles (0.000062%); highest among the groups gnomAD compares: Admixed American, 0.0017%; no homozygotes.

Submission:

Labcorp Genetics (formerly Invitae), Labcorp
Classification: Uncertain significance. Last evaluated: 2025-05-07. Review status: criteria provided, single submitter. Criteria: Invitae Variant Classification Sherloc (09022015). Collection method: clinical testing. Allele origin: germline.
Comment: This sequence change replaces isoleucine, which is neutral and non-polar, with threonine, which is neutral and polar, at codon 137 of the DMRT1 protein (p.Ile137Thr). This variant is not present in population databases (gnomAD no frequency). This variant has not been reported in the literature in individuals affected with DMRT1-related conditions. Invitae Evidence Modeling of protein sequence and biophysical properties (such as structural, functional, and spatial information, amino acid conservation, physicochemical variation, residue mobility, and thermodynamic stability) has been performed for this missense variant. However, the output from this modeling did not meet the statistical confidence thresholds required to predict the impact of this variant on DMRT1 protein function. In summary, the available evidence is currently insufficient to determine the role of this variant in disease. Therefore, it has been classified as a Variant of Uncertain Significance.

NM_021951.3(DMRT1):c.410T>C (p.Ile137Thr)

Gene: DMRT1 (doublesex and mab-3 related transcription factor 1; plus strand). Cytogenetic location: 9p24.3.
Variant type: single nucleotide variant.
Coding change: c.410T>C on transcript NM_021951.3 (MANE Select); coding-DNA position 410, T replaced by C.
Protein change: p.Ile137Thr; replaces isoleucine 137 with threonine.
Molecular consequence: missense variant. On other transcripts: 5 prime UTR variant (1).
Genome position (GRCh38, 1-based): chr9:847,015, T>C. VCF-style: chr9-847015-T-C. GRCh37 (hg19) VCF-style: chr9-847015-T-C.
Other names: c.-65T>C (NM_001363767.1); short protein forms I137T.
Identifiers: ClinVar variation 4694865 (VCV004694865.1).